The following is an entry in ClinVar:

NM_015404.4(WHRN):c.599C>T (p.Thr200Ile)

Gene: WHRN (whirlin; minus strand). Cytogenetic location: 9q32.
Variant type: single nucleotide variant.
Coding change: c.599C>T on transcript NM_015404.4 (MANE Select); coding-DNA position 599, C replaced by T.
Protein change: p.Thr200Ile; replaces threonine 200 with isoleucine.
Molecular consequence: missense variant.
Genome position (GRCh38, 1-based): chr9:114,504,203, G>A on the plus strand (C>T on the coding strand, the complement: WHRN is on the minus strand). VCF-style: chr9-114504203-G-A. GRCh37 (hg19) VCF-style: chr9-117266483-G-A.
Other names: c.599C>T, p.Thr200Ile (NM_001173425.2); short protein forms T200I.
Identifiers: ClinVar variation 1466817 (VCV001466817.7), dbSNP rs765757659, ClinGen allele CA5206249.

ClinVar aggregate classification (germline): Uncertain significance. Review status: criteria provided, multiple submitters, no conflicts (2 of 4 stars). 2 submissions from 2 submitters: Uncertain significance (2). Last evaluated 2022-07-12.

Allele frequency attached by ClinVar (database versions not stated): gnomAD exomes below 0.00001 and 0.00001; ExAC 0.00001; gnomAD 0.00001; TOPMed 0.00001.
gnomAD v4.1: 6 of 1,614,032 alleles (0.00037%); highest among the groups gnomAD compares: Middle Eastern, 0.016%; no homozygotes.

Submissions (2):

Labcorp Genetics (formerly Invitae), Labcorp
Classification: Uncertain significance. Last evaluated: 2022-07-12. Review status: criteria provided, single submitter. Criteria: Invitae Variant Classification Sherloc (09022015). Collection method: clinical testing. Allele origin: germline.
Comment: This variant is present in population databases (rs765757659, gnomAD 0.003%). This sequence change replaces threonine, which is neutral and polar, with isoleucine, which is neutral and non-polar, at codon 200 of the WHRN protein (p.Thr200Ile). This variant has not been reported in the literature in individuals affected with WHRN-related conditions. ClinVar contains an entry for this variant (Variation ID: 1466817). Algorithms developed to predict the effect of missense changes on protein structure and function are either unavailable or do not agree on the potential impact of this missense change (SIFT: "Deleterious"; PolyPhen-2: "Probably Damaging"; Align-GVGD: "Class C15"). In summary, the available evidence is currently insufficient to determine the role of this variant in disease. Therefore, it has been classified as a Variant of Uncertain Significance.

Blueprint Genetics
Classification: Uncertain significance. Last evaluated: 2020-12-16. Review status: criteria provided, single submitter. Criteria: ACMG Guidelines, 2015. Collection method: clinical testing. Allele origin: germline.